The following is an entry in ClinVar:

ClinVar aggregate classification (germline): Uncertain significance (1 of 4 stars; one submission).

Conditions:
Catecholaminergic polymorphic ventricular tachycardia 1. Also called: VENTRICULAR TACHYCARDIA, CATECHOLAMINERGIC POLYMORPHIC, 1, WITH OR WITHOUT ATRIAL DYSFUNCTION AND/OR DILATED CARDIOMYOPATHY; RYR2-Related Catecholaminergic Polymorphic Ventricular Tachycardia; VENTRICULAR TACHYCARDIA, STRESS-INDUCED POLYMORPHIC 1. Identifiers: Orphanet 3286, MedGen C1631597, MONDO:0011484, OMIM 604772.

Submission:

Labcorp Genetics (formerly Invitae), Labcorp
Classification: Uncertain significance for Catecholaminergic polymorphic ventricular tachycardia 1. Last evaluated: 2025-04-24. Review status: criteria provided, single submitter. Criteria: Invitae Variant Classification Sherloc (09022015). Collection method: clinical testing. Allele origin: germline.
Comment: This sequence change creates a premature translational stop signal (p.Val3755*) in the RYR2 gene. It is expected to result in an absent or disrupted protein product. However, the current clinical and genetic evidence is not sufficient to establish whether loss-of-function variants in RYR2 cause disease. This variant is not present in population databases (gnomAD no frequency). This variant has not been reported in the literature in individuals affected with RYR2-related conditions. In summary, the available evidence is currently insufficient to determine the role of this variant in disease. Therefore, it has been classified as a Variant of Uncertain Significance.

NM_001035.3(RYR2):c.11263del (p.Met3754_Val3755insTer)

Gene: RYR2 (ryanodine receptor 2; plus strand). Cytogenetic location: 1q43.
Variant type: Deletion.
Coding change: c.11263del on transcript NM_001035.3 (MANE Select); coding-DNA position 11263, one base deleted (G; older notation c.11263delG).
Protein change: p.Met3754_Val3755insTer.
Molecular consequence: nonsense.
Genome position (GRCh38, 1-based): chr1:237,757,714, G deleted; the last of 2 consecutive G bases (chr1:237,757,713-237,757,714); deleting either gives the same sequence. VCF-style (leftmost placement, unchanged base first): chr1-237757712-TG-T. GRCh37 (hg19) VCF-style: chr1-237921012-TG-T.
Identifiers: ClinVar variation 4747659 (VCV004747659.1).